The following is an entry in ClinVar:

ClinVar aggregate classification (germline): Uncertain significance (1 of 4 stars; one submission).

Conditions:
Hereditary spastic paraplegia 6 (SPG6). Also called: SPASTIC PARAPLEGIA 6, AUTOSOMAL DOMINANT. Identifiers: Orphanet 100988, MedGen C1838192, MONDO:0010878, OMIM 600363.

Submission:

Labcorp Genetics (formerly Invitae), Labcorp
Classification: Uncertain significance for Hereditary spastic paraplegia 6. Last evaluated: 2021-12-02. Review status: criteria provided, single submitter. Criteria: Invitae Variant Classification Sherloc (09022015). Collection method: clinical testing. Allele origin: germline.
Comment: In summary, the available evidence is currently insufficient to determine the role of this variant in disease. Therefore, it has been classified as a Variant of Uncertain Significance. This variant has not been reported in the literature in individuals affected with NIPA1-related conditions. This variant results in a copy number gain of the genomic region encompassing exon(s) 5 of the NIPA1 gene. This region includes the termination codon of the gene. This copy number gain extends beyond the assayed region for this gene and therefore may encompass additional genes. As the precise location of this event is unknown, it may be in tandem or it may be located elsewhere in the genome.

NC_000015.9:g.(?_23021178)_(23049360_?)dup

Genes: NIPA2 (NIPA magnesium transporter 2; plus strand), NIPA1 (NIPA magnesium transporter 1; plus strand). Cytogenetic location: 15q11.2.
Variant type: Duplication.
Identifiers: ClinVar variation 1445342 (VCV001445342.6).